The following is an entry in ClinVar:

ClinVar aggregate classification (germline): Uncertain significance (1 of 4 stars; one submission).

Conditions:
PURA-related severe neonatal hypotonia-seizures-encephalopathy syndrome (NEDRIHF). Also called: NEURODEVELOPMENTAL DISORDER WITH NEONATAL RESPIRATORY INSUFFICIENCY, HYPOTONIA, AND FEEDING DIFFICULTIES; PURA-Related Neurodevelopmental Disorders. Identifiers: Orphanet 438213, Orphanet 438216, MedGen C4015357, MONDO:1060108, OMIM 616158, MONDO:0018580.

Submission:

Labcorp Genetics (formerly Invitae), Labcorp
Classification: Uncertain significance for PURA-related severe neonatal hypotonia-seizures-encephalopathy syndrome. Last evaluated: 2021-11-09. Review status: criteria provided, single submitter. Criteria: Invitae Variant Classification Sherloc (09022015). Collection method: clinical testing. Allele origin: germline.
Comment: In summary, the available evidence is currently insufficient to determine the role of this variant in disease. Therefore, it has been classified as a Variant of Uncertain Significance. Algorithms developed to predict the effect of missense changes on protein structure and function are either unavailable or do not agree on the potential impact of this missense change (SIFT: "Deleterious"; PolyPhen-2: "Probably Damaging"; Align-GVGD: "Class C0"). This sequence change replaces alanine, which is neutral and non-polar, with valine, which is neutral and non-polar, at codon 62 of the PURA protein (p.Ala62Val). This variant is not present in population databases (gnomAD no frequency). This variant has not been reported in the literature in individuals affected with PURA-related conditions.

NM_005859.5(PURA):c.185C>T (p.Ala62Val)

Gene: PURA (purine rich element binding protein A; plus strand). Cytogenetic location: 5q31.3.
Variant type: single nucleotide variant.
Coding change: c.185C>T on transcript NM_005859.5 (MANE Select); coding-DNA position 185, C replaced by T.
Protein change: p.Ala62Val; replaces alanine 62 with valine.
Molecular consequence: missense variant.
Genome position (GRCh38, 1-based): chr5:140,114,366, C>T. VCF-style: chr5-140114366-C-T. GRCh37 (hg19) VCF-style: chr5-139493951-C-T.
Other names: short protein forms A62V.
Identifiers: ClinVar variation 1392320 (VCV001392320.6), dbSNP rs2126748800, ClinGen allele CA361489918.
Genomic context (GRCh38, chr5:140,114,366, plus strand): 5'-GCAGTGGCGGCGGCGGCGGCGGGGCCCCAGGGGGGCTGCAGCACGAGACGCAGGAGCTGG[C>T]CTCCAAGCGGGTGGACATCCAGAACAAGCGCTTCTACCTGGACGTGAAGCAGAACGCCAA-3'
Protein context (NP_005850.1, residues 52-72): GGLQHETQEL[Ala62Val]SKRVDIQNKR